The following is an entry in ClinVar:

ClinVar aggregate classification (germline): Uncertain significance (1 of 4 stars; one submission).

gnomAD v4.1: 1 of 1,612,970 alleles (0.000062%); highest among the groups gnomAD compares: Admixed American, 0.0017%; no homozygotes.

Submission:

Labcorp Genetics (formerly Invitae), Labcorp
Classification: Uncertain significance. Last evaluated: 2024-03-28. Review status: criteria provided, single submitter. Criteria: Invitae Variant Classification Sherloc (09022015). Collection method: clinical testing. Allele origin: germline.
Comment: This sequence change replaces histidine, which is basic and polar, with tyrosine, which is neutral and polar, at codon 40 of the GUCA1B protein (p.His40Tyr). This variant is not present in population databases (gnomAD no frequency). This variant has not been reported in the literature in individuals affected with GUCA1B-related conditions. An algorithm developed to predict the effect of missense changes on protein structure and function (PolyPhen-2) suggests that this variant is likely to be disruptive. In summary, the available evidence is currently insufficient to determine the role of this variant in disease. Therefore, it has been classified as a Variant of Uncertain Significance.

NM_002098.6(GUCA1B):c.118C>T (p.His40Tyr)

Gene: GUCA1B (guanylate cyclase activator 1B; minus strand). Cytogenetic location: 6p21.1.
Variant type: single nucleotide variant.
Coding change: c.118C>T on transcript NM_002098.6 (MANE Select); coding-DNA position 118, C replaced by T.
Protein change: p.His40Tyr; replaces histidine 40 with tyrosine.
Molecular consequence: missense variant.
Genome position (GRCh38, 1-based): chr6:42,194,703, G>A on the plus strand (C>T on the coding strand, the complement: GUCA1B is on the minus strand). VCF-style: chr6-42194703-G-A. GRCh37 (hg19) VCF-style: chr6-42162441-G-A.
Other names: short protein forms H40Y.
Identifiers: ClinVar variation 3648066 (VCV003648066.2).
Genomic context (GRCh38, chr6:42,194,703, plus strand): 5'-CCTCTACATACTGGGAGGCCTCCTCATCGTCTGTGACCTTGAAGAAGCGCTTAAACTCAT[G>A]CATAAAGAGTGTGCCGCTGGGGCACTCCATCACAAACTTCTTGTACCACTCCTGGAGCTC-3'
Protein context (NP_002089.4, residues 30-50): MECPSGTLFM[His40Tyr]EFKRFFKVTD